The following is an entry in ClinVar:

NM_014946.4(SPAST):c.188TGC[3] (p.Leu64_Arg65insLeu)

Gene: SPAST (spastin; plus strand). Cytogenetic location: 2p22.3.
Variant type: Microsatellite.
Coding change: c.188TGC[3] on transcript NM_014946.4 (MANE Select); three copies in a row of the 3-base unit TGC starting at c.188; the reference has two copies in a row; one copy, 3 bases duplicated.
Protein change: p.Leu64_Arg65insLeu.
Molecular consequence: inframe insertion.
Genome position (GRCh38, 1-based): chr2:32,064,022-32,064,024, TGC duplicated; duplicating any 3 consecutive bases within chr2:32,064,017-32,064,024 gives the same sequence; the position shown is the placement nearest the transcript's 3' end. VCF-style (leftmost placement, unchanged base first): chr2-32064016-C-CGCT. GRCh37 (hg19) VCF-style: chr2-32289085-C-CGCT.
Other names: c.188TGC[3], p.Leu64_Arg65insLeu (NM_001363823.2, NM_001363875.2, NM_001377959.1 and 1 more transcripts).
Identifiers: ClinVar variation 2006589 (VCV002006589.4), dbSNP rs2465681246, ClinGen allele CA2580611615.
Genomic context (GRCh38, chr2:32,064,016, plus strand): 5'-CCGAGTCGCCGCATAAGCGGAACCTGTACTATTTCTCCTACCCGCTGTTTGTAGGCTTCG[C>CGCT]GCTGCTGCGTTTGGTCGCCTTCCACCTGGGGCTCCTCTTCGTGTGGCTCTGCCAGCGCTT-3'

ClinVar aggregate classification (germline): Uncertain significance (1 of 4 stars; one submission).

Conditions:
Hereditary spastic paraplegia 4. Also called: Spastic Paraplegia 4; Spastic paraplegia 4, autosomal dominant; Familial spastic paraplegia autosomal dominant 2. Identifiers: Orphanet 100985, MedGen C1866855, MONDO:0008438, OMIM 182601.

Submission:

Labcorp Genetics (formerly Invitae), Labcorp
Classification: Uncertain significance for Hereditary spastic paraplegia 4. Last evaluated: 2024-03-04. Review status: criteria provided, single submitter. Criteria: Invitae Variant Classification Sherloc (09022015). Collection method: clinical testing. Allele origin: germline.
Comment: This variant, c.191_193dup, results in the insertion of 1 amino acid(s) of the SPAST protein (p.Leu64dup), but otherwise preserves the integrity of the reading frame. This variant is not present in population databases (gnomAD no frequency). This variant has not been reported in the literature in individuals affected with SPAST-related conditions. In summary, the available evidence is currently insufficient to determine the role of this variant in disease. Therefore, it has been classified as a Variant of Uncertain Significance.